The following is an entry in ClinVar:

NM_001035.3(RYR2):c.6443A>C (p.Asp2148Ala)

Gene: RYR2 (ryanodine receptor 2; plus strand). Cytogenetic location: 1q43.
Variant type: single nucleotide variant.
Coding change: c.6443A>C on transcript NM_001035.3 (MANE Select); coding-DNA position 6443, A replaced by C.
Protein change: p.Asp2148Ala; replaces aspartic acid 2148 with alanine.
Molecular consequence: missense variant.
Genome position (GRCh38, 1-based): chr1:237,631,429, A>C. VCF-style: chr1-237631429-A-C. GRCh37 (hg19) VCF-style: chr1-237794729-A-C.
Other names: short protein forms D2148A.
Identifiers: ClinVar variation 1320376 (VCV001320376.2), dbSNP rs1375995287, ClinGen allele CA345412122.

ClinVar aggregate classification (germline): Uncertain significance (1 of 4 stars; one submission).

Submission:

GeneDx
Classification: Uncertain significance. Last evaluated: 2020-01-02. Review status: criteria provided, single submitter. Criteria: GeneDx Variant Classification Process June 2021. Collection method: clinical testing. Allele origin: germline. Affected: yes.
Comment: Not observed in large population cohorts (Lek et al., 2016); In silico analysis, which includes protein predictors and evolutionary conservation, supports a deleterious effect; Has not been previously published as pathogenic or benign to our knowledge